The following is an entry in ClinVar:

NM_001126128.2(PROK2):c.323C>T (p.Pro108Leu)

Gene: PROK2 (prokineticin 2; minus strand). Cytogenetic location: 3p13.
Variant type: single nucleotide variant.
Coding change: c.323C>T on transcript NM_001126128.2 (MANE Select); coding-DNA position 323, C replaced by T.
Protein change: p.Pro108Leu; replaces proline 108 with leucine.
Molecular consequence: missense variant.
Genome position (GRCh38, 1-based): chr3:71,772,791, G>A on the plus strand (C>T on the coding strand, the complement: PROK2 is on the minus strand). VCF-style: chr3-71772791-G-A. GRCh37 (hg19) VCF-style: chr3-71821942-G-A.
Other names: c.260C>T, p.Pro87Leu (NM_021935.4); short protein forms P87L, P108L.
Identifiers: ClinVar variation 4984199 (VCV004984199.1).

ClinVar aggregate classification (germline): Uncertain significance (1 of 4 stars; one submission).

Conditions:
PROK2-related disorder. Also called: PROK2-related condition.

Submission:

PreventionGenetics, part of Exact Sciences
Classification: Uncertain significance for PROK2-related condition. Last evaluated: 2025-12-11. Review status: criteria provided, single submitter. Criteria: ACMG Guidelines, 2015. Collection method: clinical testing. Allele origin: germline.
Comment: The PROK2 c.323C>T variant is predicted to result in the amino acid substitution p.Pro108Leu. To our knowledge, this variant has not been reported in the literature. This variant is reported in 0.00088% of alleles in individuals of European (Non-Finnish) descent in gnomAD. At this time, the clinical significance of this variant is uncertain due to the absence of conclusive functional and genetic evidence.